The following is an entry in ClinVar:

ClinVar aggregate classification (germline): Uncertain significance (1 of 4 stars; one submission).

Submission:

Labcorp Genetics (formerly Invitae), Labcorp
Classification: Uncertain significance. Last evaluated: 2022-04-08. Review status: criteria provided, single submitter. Criteria: Invitae Variant Classification Sherloc (09022015). Collection method: clinical testing. Allele origin: germline.
Comment: This sequence change replaces serine, which is neutral and polar, with phenylalanine, which is neutral and non-polar, at codon 521 of the WHRN protein (p.Ser521Phe). This variant is not present in population databases (gnomAD no frequency). This variant has not been reported in the literature in individuals affected with WHRN-related conditions. Algorithms developed to predict the effect of missense changes on protein structure and function are either unavailable or do not agree on the potential impact of this missense change (SIFT: "Deleterious"; PolyPhen-2: "Probably Damaging"; Align-GVGD: "Class C15"). In summary, the available evidence is currently insufficient to determine the role of this variant in disease. Therefore, it has been classified as a Variant of Uncertain Significance.

NM_015404.4(WHRN):c.1562C>T (p.Ser521Phe)

Gene: WHRN (whirlin; minus strand). Cytogenetic location: 9q32.
Variant type: single nucleotide variant.
Coding change: c.1562C>T on transcript NM_015404.4 (MANE Select); coding-DNA position 1562, C replaced by T.
Protein change: p.Ser521Phe; replaces serine 521 with phenylalanine.
Molecular consequence: missense variant.
Genome position (GRCh38, 1-based): chr9:114,423,378, G>A on the plus strand (C>T on the coding strand, the complement: WHRN is on the minus strand). VCF-style: chr9-114423378-G-A. GRCh37 (hg19) VCF-style: chr9-117185658-G-A.
Other names: c.413C>T, p.Ser138Phe (NM_001083885.3); c.1562C>T, p.Ser521Phe (NM_001173425.2); c.509C>T, p.Ser170Phe (NM_001346890.1); short protein forms S138F, S521F, S170F.
Identifiers: ClinVar variation 1915875 (VCV001915875.2), dbSNP rs2491760464, ClinGen allele CA374607052.